The following is an entry in ClinVar:

ClinVar aggregate classification (germline): Uncertain significance (1 of 4 stars; one submission).

Conditions:
Hereditary cancer-predisposing syndrome. Also called: Neoplastic Syndromes, Hereditary; Hereditary Cancer Syndrome; Tumor predisposition; Hereditary neoplastic syndrome. Identifiers: Orphanet 140162, MedGen C0027672, MeSH D009386, MONDO:0015356.

Submission:

Ambry Genetics
Classification: Uncertain significance for Hereditary cancer-predisposing syndrome. Last evaluated: 2025-02-08. Review status: criteria provided, single submitter. Criteria: Ambry Variant Classification Scheme 2023. Collection method: clinical testing. Allele origin: germline.
Comment: The p.N814S variant (also known as c.2441A>G), located in coding exon 15 of the PTCH1 gene, results from an A to G substitution at nucleotide position 2441. The asparagine at codon 814 is replaced by serine, an amino acid with highly similar properties. This amino acid position is conserved. In addition, this alteration is predicted to be tolerated by in silico analysis. Based on the available evidence, the clinical significance of this variant remains unclear.

NM_000264.5(PTCH1):c.2441A>G (p.Asn814Ser)

Genes: PTCH1 (patched 1; minus strand), LOC100507346 (uncharacterized LOC100507346; plus strand). Cytogenetic location: 9q22.32.
Variant type: single nucleotide variant.
Coding change: c.2441A>G on transcript NM_000264.5 (MANE Select); coding-DNA position 2441, A replaced by G.
Protein change: p.Asn814Ser; replaces asparagine 814 with serine.
Molecular consequence: missense variant. On other transcripts: non-coding transcript variant (1).
Genome position (GRCh38, 1-based): chr9:95,467,235, T>C on the plus strand (A>G on the coding strand, the complement: PTCH1 is on the minus strand). VCF-style: chr9-95467235-T-C. GRCh37 (hg19) VCF-style: chr9-98229517-T-C.
Other names: c.1988A>G, p.Asn663Ser (NM_001083607.3, NM_001083604.3, NM_001083605.3 and 1 more transcripts); c.2285A>G, p.Asn762Ser (NM_001354918.2); c.2243A>G, p.Asn748Ser (NM_001083602.3); c.2438A>G, p.Asn813Ser (NM_001083603.3); short protein forms N748S, N762S, N814S, N663S, N813S.
Identifiers: ClinVar variation 3784660 (VCV003784660.1).
Genomic context (GRCh38, chr9:95,467,235, plus strand): 5'-AACATGACATACTTCACGTTACTGAAACTCCTGTGTAGGTCGTAAAGTAAGTGCTGGATA[T>C]TCGGGTAGTCTGCTTTCTGGGTGACTATATACATGTTGTAGAAAGAAAAGTATTTGAATT-3'
Protein context (NP_000255.2, residues 804-824): YIVTQKADYP[Asn814Ser]IQHLLYDLHR